The following is an entry in ClinVar:

ClinVar aggregate classification (germline): Uncertain significance (1 of 4 stars; one submission).

Conditions:
Brugada syndrome 4 (BRGDA4). Identifiers: Orphanet 130, MedGen C2678477, MONDO:0012743, OMIM 611876.

Submission:

Labcorp Genetics (formerly Invitae), Labcorp
Classification: Uncertain significance for Brugada syndrome 4. Last evaluated: 2025-12-10. Review status: criteria provided, single submitter. Criteria: Invitae Variant Classification Sherloc (09022015). Collection method: clinical testing. Allele origin: germline.
Comment: This sequence change replaces proline, which is neutral and non-polar, with serine, which is neutral and polar, at codon 455 of the CACNB2 protein (p.Pro455Ser). This variant is not present in population databases (gnomAD no frequency). This variant has not been reported in the literature in individuals affected with CACNB2-related conditions. Invitae Evidence Modeling of protein sequence and biophysical properties (such as structural, functional, and spatial information, amino acid conservation, physicochemical variation, residue mobility, and thermodynamic stability) indicates that this missense variant is not expected to disrupt CACNB2 protein function with a negative predictive value of 80%. In summary, the available evidence is currently insufficient to determine the role of this variant in disease. Therefore, it has been classified as a Variant of Uncertain Significance.

NM_201596.3(CACNB2):c.1525C>T (p.Pro509Ser)

Gene: CACNB2 (calcium voltage-gated channel auxiliary subunit beta 2; plus strand). Cytogenetic location: 10p12.31.
Variant type: single nucleotide variant.
Coding change: c.1525C>T on transcript NM_201596.3 (MANE Select); coding-DNA position 1525, C replaced by T.
Protein change: p.Pro509Ser; replaces proline 509 with serine.
Molecular consequence: missense variant.
Genome position (GRCh38, 1-based): chr10:18,539,266, C>T. VCF-style: chr10-18539266-C-T. GRCh37 (hg19) VCF-style: chr10-18828195-C-T.
Other names: c.1360C>T, p.Pro454Ser (NM_000724.4); c.1327C>T, p.Pro443Ser (NM_001167945.2); c.1246C>T, p.Pro416Ser (NM_001330060.2); c.1267C>T, p.Pro423Ser (NM_001410882.1); c.1381C>T, p.Pro461Ser (NM_201570.3); c.1441C>T, p.Pro481Ser (NM_201571.4); c.1369C>T, p.Pro457Ser (NM_201572.4); c.1363C>T, p.Pro455Ser (NM_201590.3); and 2 more; short protein forms P416S, P443S, P485S, P423S, P457S, P481S, P454S, P455S.
Identifiers: ClinVar variation 4771104 (VCV004771104.1).